The following is an entry in ClinVar:

NM_201384.3(PLEC):c.13258C>T (p.Arg4420Cys)

Gene: PLEC (plectin; minus strand). Cytogenetic location: 8q24.3.
Variant type: single nucleotide variant.
Coding change: c.13258C>T on transcript NM_201384.3 (MANE Select); coding-DNA position 13258, C replaced by T.
Protein change: p.Arg4420Cys; replaces arginine 4420 with cysteine.
Molecular consequence: missense variant.
Genome position (GRCh38, 1-based): chr8:143,916,563, G>A on the plus strand (C>T on the coding strand, the complement: PLEC is on the minus strand). VCF-style: chr8-143916563-G-A. GRCh37 (hg19) VCF-style: chr8-144990731-G-A.
Other names: c.13339C>T, p.Arg4447Cys (NM_000445.5); c.13216C>T, p.Arg4406Cys (NM_201378.4); c.13192C>T, p.Arg4398Cys (NM_201379.3); c.13669C>T, p.Arg4557Cys (NM_201380.4); c.13162C>T, p.Arg4388Cys (NM_201381.3); c.13258C>T, p.Arg4420Cys (NM_201382.4); c.13270C>T, p.Arg4424Cys (NM_201383.3); c.13339C>T (NM_000445.4); short protein forms R4420C, R4424C, R4447C, R4398C, R4406C, R4388C, R4557C.
Identifiers: ClinVar variation 1428894 (VCV001428894.7), dbSNP rs1372881986, ClinGen allele CA372475803.
Genomic context (GRCh38, chr8:143,916,563, plus strand): 5'-TCTTAGGGCAGGTGAGGTACTTGGAGTAGGCGCCCACGTCACGCAGCTTCTGTGCGGTGC[G>A]GGCGTCCACCGTGCCGCGCTGCAGGGCCTCGTCCAGGGGCACGCGGCCCGGCGTGTCGGG-3'
Protein context (NP_958786.1, residues 4410-4430): EALQRGTVDA[Arg4420Cys]TAQKLRDVGA

ClinVar aggregate classification (germline): Uncertain significance. Review status: criteria provided, multiple submitters, no conflicts (2 of 4 stars). 2 submissions from 2 submitters: Uncertain significance (2). Last evaluated 2026-07-08.

Conditions:
Autosomal recessive limb-girdle muscular dystrophy type 2Q (LGMDR17). Also called: MUSCULAR DYSTROPHY, LIMB-GIRDLE, AUTOSOMAL RECESSIVE 17. Identifiers: Orphanet 254361, MedGen C3150989, MONDO:0013390, OMIM 613723.
Epidermolysis bullosa simplex, Ogna type (EBS5A). Also called: Pidermolysis bullosa simplex 5A, Ogna type; EPIDERMOLYSIS BULLOSA SIMPLEX 5A, OGNA TYPE. Identifiers: Orphanet 79401, MedGen C0432317, MONDO:0007555, OMIM 131950.
Epidermolysis bullosa simplex 5B, with muscular dystrophy (EBS5B). Also called: EPIDERMOLYSIS BULLOSA SIMPLEX AND LIMB-GIRDLE MUSCULAR DYSTROPHY; Epidermolysis bullosa simplex with muscular dystrophy. Identifiers: Orphanet 257, MedGen C2931072, MONDO:0009181, OMIM 226670.
Epidermolysis bullosa simplex 5C, with pyloric atresia (EBS5C). Also called: PLEC-Related Epidermolysis Bullosa with Pyloric Atresia; Epidermolysis bullosa simplex with pyloric atresia; PLEC1-Related Epidermolysis Bullosa with Pyloric Atresia. Identifiers: Orphanet 158684, MedGen C2677349, MONDO:0012807, OMIM 612138.
Epidermolysis bullosa simplex with nail dystrophy (EBS5D). Identifiers: MedGen C4225309, MONDO:0014661, OMIM 616487.
PLEC-related disorder. Also called: PLEC-related disorders; PLEC-related condition.

Allele frequency attached by ClinVar (database versions not stated): gnomAD exomes below 0.00001 and 0.00002; TOPMed 0.00001; gnomAD 0.00002.
gnomAD v4.1: 36 of 1,611,490 alleles (0.0022%); highest among the groups gnomAD compares: South Asian, 0.0044%; no homozygotes.

Submissions (2):

PreventionGenetics, part of Exact Sciences
Classification: Uncertain significance for PLEC-related condition. Last evaluated: 2026-07-08. Review status: criteria provided, single submitter. Criteria: ACMG Guidelines, 2015. Collection method: clinical testing. Allele origin: germline.
Comment: The PLEC c.13339C>T variant is predicted to result in the amino acid substitution p.Arg4447Cys. To our knowledge, this variant has not been reported in the literature. This variant is reported in 0.0029% of alleles in individuals of Latino descent in gnomAD. At this time, the clinical significance of this variant is uncertain due to the absence of conclusive functional and genetic evidence.

Labcorp Genetics (formerly Invitae), Labcorp
Classification: Uncertain significance for Autosomal recessive limb-girdle muscular dystrophy type 2Q; Epidermolysis bullosa simplex, Ogna type; Epidermolysis bullosa simplex with nail dystrophy; Epidermolysis bullosa simplex 5C, with pyloric atresia; Epidermolysis bullosa simplex 5B, with muscular dystrophy. Last evaluated: 2025-08-01. Review status: criteria provided, single submitter. Criteria: Invitae Variant Classification Sherloc (09022015). Collection method: clinical testing. Allele origin: germline.
Comment: This sequence change replaces arginine, which is basic and polar, with cysteine, which is neutral and slightly polar, at codon 4447 of the PLEC protein (p.Arg4447Cys). This variant is present in population databases (no rsID available, gnomAD 0.003%). This variant has not been reported in the literature in individuals affected with PLEC-related conditions. ClinVar contains an entry for this variant (Variation ID: 1428894). Invitae Evidence Modeling of protein sequence and biophysical properties (such as structural, functional, and spatial information, amino acid conservation, physicochemical variation, residue mobility, and thermodynamic stability) has been performed for this missense variant. However, the output from this modeling did not meet the statistical confidence thresholds required to predict the impact of this variant on PLEC protein function. In summary, the available evidence is currently insufficient to determine the role of this variant in disease. Therefore, it has been classified as a Variant of Uncertain Significance.